The following is an entry in ClinVar:

NM_005026.5(PIK3CD):c.1642C>T (p.Arg548Trp)

Gene: PIK3CD (phosphatidylinositol-4,5-bisphosphate 3-kinase catalytic subunit delta; plus strand). Cytogenetic location: 1p36.22.
Variant type: single nucleotide variant.
Coding change: c.1642C>T on transcript NM_005026.5 (MANE Select); coding-DNA position 1642, C replaced by T.
Protein change: p.Arg548Trp; replaces arginine 548 with tryptophan.
Molecular consequence: missense variant.
Genome position (GRCh38, 1-based): chr1:9,720,862, C>T. VCF-style: chr1-9720862-C-T. GRCh37 (hg19) VCF-style: chr1-9780920-C-T.
Other names: NM_005026.5(PIK3CD):c.1642C>T; p.Arg548Trp; c.1639C>T, p.Arg547Trp (NM_001350234.2); c.1555C>T, p.Arg519Trp (NM_001350235.1); short protein forms R548W, R547W, R519W.
Identifiers: ClinVar variation 806050 (VCV000806050.55), dbSNP rs780269932, ClinGen allele CA577276.

ClinVar aggregate classification (germline): Uncertain significance. Review status: reviewed by expert panel (3 of 4 stars). 7 submissions from 7 submitters: Uncertain significance (1). 6 of the submissions do not count toward it. Last evaluated 2025-12-19.

Conditions:
PIK3CD-related disorder. Also called: PIK3CD-related condition.
Immunodeficiency 14 (IMD14A). Also called: ACTIVATED PI3K-DELTA SYNDROME 1; Activated PI3K Delta Syndrome Type 1 (APDS1); p110-DELTA-ACTIVATING MUTATION CAUSING SENESCENT T CELLS, LYMPHADENOPATHY, AND IMMUNODEFICIENCY; IMMUNODEFICIENCY 14A WITH LYMPHOPROLIFERATION, AUTOSOMAL DOMINANT. Identifiers: Orphanet 397596, Orphanet 693661, MedGen C5907821, MONDO:0014222, OMIM 615513.
Immunodeficiency 14b, autosomal recessive. Identifiers: MedGen C5543301, MONDO:0023655, OMIM 619281.
Inborn genetic diseases. Identifiers: MedGen C0950123, MeSH D030342.

Allele frequency attached by ClinVar (database versions not stated): ExAC 0.00001; gnomAD 0.00002; TOPMed 0.00002; gnomAD exomes 0.00003.
gnomAD v4.1: 60 of 1,608,744 alleles (0.0037%); highest among the groups gnomAD compares: Middle Eastern, 0.049%; 1 homozygote.

Submissions (7):

ClinGen Primary Immune Regulatory Disorders Variant Curation Expert Panel, ClinGen
Classification: Uncertain significance for Immunodeficiency 14. Last evaluated: 2025-12-19. Review status: reviewed by expert panel. Criteria: ClinGen AbDef ACMG Specifications PIK3CD V1.0.0. Collection method: curation. Allele origin: germline. Inheritance: Autosomal dominant inheritance.
Comment: NM_005026.5(PIK3CD):c.1642C>T (p.Arg548Trp) is a missense variant causing substitution of arginine by tryptophan at amino acid 548. Another missense variant in the same codon, NM_005026.5(PIK3CD):c.1643G>A (p.Arg548Gln), has been reported in association with immunodeficiency 14 (SCV002301644.3) but has been classified as a VUS by the ClinGen Antibody Deficiencies VCEP, so PM5 is not met. This variant is present in gnomAD v4.1.0 at a total combined allele frequency of 0.00003730, with 60 alleles / 1,608,744 total alleles across all populations of gnomAD, which is higher than the ClinGen Antibody Deficiencies VCEP PM2_Supporting threshold of <0.00000132. The variant is present in gnomAD v.4.1.0 at a GrpMax allele frequency of 0.0001338, with 3 alleles / 6,074 total alleles in the Middle Eastern population, which is lower than the BS1 threshold of >0.000316, so no population code can be applied. This variant has been reported in 1 affected proband with a phenotype including recurrent fever, neurodevelopmental abnormalities (0.5 pts), and diarrhea (1 pt), which are not sufficient to meet the phenotype requirements for inclusion of the proband in PS4_Supporting (1.5 total points, ClinVar Accession #: SCV002524004.1). The computational predictor REVEL gives a score of 0.349, which is below the ClinGen Antibody Deficiencies VCEP threshold of >0.644 and does not predict a damaging effect on PIK3CD function. The computational predictor CADD gives a PHRED score of 29.0, which is above the ClinGen Antibody Deficiencies VCEP threshold of >25.3 and predicts a deleterious effect on PIK3CD function. Because the two predictors do not agree on a damaging effect, the PP3 code is not met. In summary, this variant meets the criteria to be classified as a variant of uncertain significance for autosomal dominant immunodeficiency 14 based on the ACMG/AMP criteria applied, as specified by the ClinGen Antibody Deficiencies VCEP: None. (VCEP specifications version 1.0.0).

Ambry Genetics
Classification: Uncertain significance for Inborn genetic diseases. Last evaluated: 2025-06-29. Review status: criteria provided, single submitter. Criteria: Ambry Variant Classification Scheme 2023. Collection method: clinical testing. Allele origin: germline. Not counted in ClinVar's aggregate classification.

Labcorp Genetics (formerly Invitae), Labcorp
Classification: Uncertain significance for Activated PI3K-delta syndrome. Last evaluated: 2025-06-10. Review status: criteria provided, single submitter. Criteria: Invitae Variant Classification Sherloc (09022015). Collection method: clinical testing. Allele origin: germline. Not counted in ClinVar's aggregate classification.
Comment: This sequence change replaces arginine, which is basic and polar, with tryptophan, which is neutral and slightly polar, at codon 548 of the PIK3CD protein (p.Arg548Trp). This variant is present in population databases (rs780269932, gnomAD 0.006%). This variant has not been reported in the literature in individuals affected with PIK3CD-related conditions. ClinVar contains an entry for this variant (Variation ID: 806050). Invitae Evidence Modeling of protein sequence and biophysical properties (such as structural, functional, and spatial information, amino acid conservation, physicochemical variation, residue mobility, and thermodynamic stability) indicates that this missense variant is not expected to disrupt PIK3CD protein function with a negative predictive value of 80%. In summary, the available evidence is currently insufficient to determine the role of this variant in disease. Therefore, it has been classified as a Variant of Uncertain Significance.

Blueprint Genetics
Classification: Uncertain significance. Last evaluated: 2024-04-24. Review status: criteria provided, single submitter. Criteria: ACMG Guidelines, 2015. Collection method: clinical testing. Allele origin: germline. Not counted in ClinVar's aggregate classification.

PreventionGenetics, part of Exact Sciences
Classification: Uncertain significance for PIK3CD-related condition. Last evaluated: 2023-08-03. Review status: criteria provided, single submitter. Criteria: ACMG Guidelines, 2015. Collection method: clinical testing. Allele origin: germline. Not counted in ClinVar's aggregate classification.
Comment: The PIK3CD c.1642C>T variant is predicted to result in the amino acid substitution p.Arg548Trp. To our knowledge, this variant has not been reported in the literature. This variant is reported in 0.0058% of alleles in individuals of Latino descent in gnomAD. At this time, the clinical significance of this variant is uncertain due to the absence of conclusive functional and genetic evidence.

Laboratorio de Genetica e Diagnostico Molecular, Hospital Israelita Albert Einstein
Classification: Uncertain significance. Last evaluated: 2021-09-03. Review status: criteria provided, single submitter. Criteria: ACMG Guidelines, 2015. Collection method: clinical testing. Allele origin: germline. Affected: yes. Not counted in ClinVar's aggregate classification.
Comment: ACMG classification criteria: PP2, BP4

CeGaT Center for Human Genetics Tuebingen
Classification: Uncertain significance. Last evaluated: 2019-08-01. Review status: criteria provided, single submitter. Criteria: CeGaT Center For Human Genetics Tuebingen Variant Classification Criteria Version 2. Collection method: clinical testing. Allele origin: germline. Affected: yes. Observed: 4 variant alleles. Not counted in ClinVar's aggregate classification.